The following is an entry in ClinVar:

NM_003482.4(KMT2D):c.10423G>A (p.Ala3475Thr)

Gene: KMT2D (lysine methyltransferase 2D; minus strand). Cytogenetic location: 12q13.12.
Variant type: single nucleotide variant.
Coding change: c.10423G>A on transcript NM_003482.4 (MANE Select); coding-DNA position 10423, G replaced by A.
Protein change: p.Ala3475Thr; replaces alanine 3475 with threonine.
Molecular consequence: missense variant.
Genome position (GRCh38, 1-based): chr12:49,034,599, C>T on the plus strand (G>A on the coding strand, the complement: KMT2D is on the minus strand). VCF-style: chr12-49034599-C-T. GRCh37 (hg19) VCF-style: chr12-49428382-C-T.
Other names: short protein forms A3475T.
Identifiers: ClinVar variation 1100304 (VCV001100304.16), dbSNP rs370434981, ClinGen allele CA6546517.

ClinVar aggregate classification (germline): Likely benign. Review status: criteria provided, multiple submitters, no conflicts (2 of 4 stars). 5 submissions from 5 submitters: Likely benign (4). 1 of the submissions does not count toward it. Last evaluated 2025-12-01.

Conditions:
KMT2D-related disorder. Also called: KMT2D-Related Disorders.
Inborn genetic diseases. Identifiers: MedGen C0950123, MeSH D030342.
Kabuki syndrome. Also called: Kabuki make-up syndrome; NIIKAWA-KUROKI SYNDROME. Identifiers: Orphanet 2322, MedGen C0796004, MONDO:0016512.
Kabuki syndrome 1 (KABUK1). Also called: KMT2D-Related Kabuki Syndrome. Identifiers: Orphanet 2322, MedGen CN030661, MONDO:0007843, OMIM 147920.

Allele frequency attached by ClinVar (database versions not stated): gnomAD exomes 0.00004; ExAC 0.00009; ESP Exome Variant Server 0.00016; TOPMed 0.00017; 1000 Genomes Project 0.00020; gnomAD 0.00022 and 0.00024; 1000 Genomes Project 30x 0.00031.
gnomAD v4.1: 41 of 1,613,660 alleles (0.0025%); highest among the groups gnomAD compares: African/African-American, 0.048%; 1 homozygote.

Submissions (6):

Labcorp Genetics (formerly Invitae), Labcorp
Classification: Likely benign for Kabuki syndrome. Last evaluated: 2025-12-01. Review status: criteria provided, single submitter. Criteria: Invitae Variant Classification Sherloc (09022015). Collection method: clinical testing. Allele origin: germline.

Ambry Genetics
Classification: Likely benign for Inborn genetic diseases. Last evaluated: 2025-06-03. Review status: criteria provided, single submitter. Criteria: Ambry Variant Classification Scheme 2023. Collection method: clinical testing. Allele origin: germline.

Fulgent Genetics
Classification: Likely benign for Kabuki syndrome 1. Last evaluated: 2022-01-16. Review status: criteria provided, single submitter. Criteria: ACMG Guidelines, 2015. Collection method: clinical testing. Allele origin: unknown.

GeneDx
Classification: Likely benign. Last evaluated: 2021-06-04. Review status: criteria provided, single submitter. Criteria: GeneDx Variant Classification Process June 2021. Collection method: clinical testing. Allele origin: germline. Affected: yes.

PreventionGenetics, part of Exact Sciences
Classification: Likely benign for KMT2D-related condition. Last evaluated: 2024-01-10. Review status: no assertion criteria provided. Collection method: clinical testing. Allele origin: germline. Not counted in ClinVar's aggregate classification.
Comment: This variant is classified as likely benign based on ACMG/AMP sequence variant interpretation guidelines (Richards et al. 2015 PMID: 25741868, with internal and published modifications).

Dr. Peter K. Rogan Lab, Western University
No classification provided (evidence only). Condition: Lung cancer. Review status: no classification provided. Collection method: in vitro. Allele origin: not applicable. Functional consequence: retained intron. Not counted in ClinVar's aggregate classification.